The following is an entry in ClinVar:

ClinVar aggregate classification (germline): Uncertain significance. Review status: criteria provided, single submitter (1 of 4 stars). 2 submissions from 2 submitters: Uncertain significance (1). 1 of the submissions does not count toward it. Last evaluated 2022-08-23.

Conditions:
Bardet-Biedl syndrome (BBS). Identifiers: Orphanet 110, MedGen C0752166, MONDO:0015229.
BBS1-related disorder. Also called: BBS1-related condition.

Submissions (2):

Labcorp Genetics (formerly Invitae), Labcorp
Classification: Uncertain significance for Bardet-Biedl syndrome. Last evaluated: 2022-08-23. Review status: criteria provided, single submitter. Criteria: Invitae Variant Classification Sherloc (09022015). Collection method: clinical testing. Allele origin: germline.
Comment: This sequence change replaces alanine, which is neutral and non-polar, with serine, which is neutral and polar, at codon 3 of the BBS1 protein (p.Ala3Ser). This variant is not present in population databases (gnomAD no frequency). This variant has not been reported in the literature in individuals affected with BBS1-related conditions. Algorithms developed to predict the effect of missense changes on protein structure and function are either unavailable or do not agree on the potential impact of this missense change (SIFT: "Tolerated"; PolyPhen-2: "Not Available"; Align-GVGD: "Class C0"). In summary, the available evidence is currently insufficient to determine the role of this variant in disease. Therefore, it has been classified as a Variant of Uncertain Significance.

PreventionGenetics, part of Exact Sciences
Classification: Uncertain significance for BBS1-related condition. Last evaluated: 2023-12-04. Review status: no assertion criteria provided. Collection method: clinical testing. Allele origin: germline. Not counted in ClinVar's aggregate classification.
Comment: The BBS1 c.7G>T variant is predicted to result in the amino acid substitution p.Ala3Ser. To our knowledge, this variant has not been reported in the literature or in a large population database, indicating this variant is rare. At this time, the clinical significance of this variant is uncertain due to the absence of conclusive functional and genetic evidence.

NM_024649.5(BBS1):c.7G>T (p.Ala3Ser)

Gene: BBS1 (Bardet-Biedl syndrome 1; plus strand). Cytogenetic location: 11q13.2.
Variant type: single nucleotide variant.
Coding change: c.7G>T on transcript NM_024649.5 (MANE Select); coding-DNA position 7, G replaced by T.
Protein change: p.Ala3Ser; replaces alanine 3 with serine.
Molecular consequence: missense variant.
Genome position (GRCh38, 1-based): chr11:66,510,666, G>T. VCF-style: chr11-66510666-G-T. GRCh37 (hg19) VCF-style: chr11-66278137-G-T.
Other names: c.7G>T (NM_024649.4); short protein forms A3S.
Identifiers: ClinVar variation 2067846 (VCV002067846.2), dbSNP rs562874449, ClinGen allele CA381453177.